The following is an entry in ClinVar:

ClinVar aggregate classification (germline): Pathogenic (1 of 4 stars; one submission).

Conditions:
Rare genetic deafness. Identifiers: Orphanet 96210, MedGen C5680250.

Submission:

Laboratory for Molecular Medicine, Mass General Brigham Personalized Medicine
Classification: Pathogenic for Rare genetic deafness. Last evaluated: 2015-07-14. Review status: criteria provided, single submitter. Criteria: LMM Criteria. Collection method: clinical testing. Allele origin: germline. Observed: 12 variant alleles.
Comment: proposed classification - variant undergoing re-assessment, contact laboratory

Literature cited by the submitters: PubMed 22147502; PubMed 19246478; PubMed 11687802; PubMed 17098888; PubMed 21686705.

NM_153700.2(STRC):c.(?_1)_(5328_?)del

Gene: STRC (stereocilin; minus strand). Cytogenetic location: 15q15.3.
Variant type: Deletion.
Coding change: c.(?_1)_(5328_?)del on transcript NM_153700.2; a large deletion whose breakpoints are not mapped to the base.
Identifiers: ClinVar variation 165295 (VCV000165295.5).